The following is an entry in ClinVar:

ClinVar aggregate classification (germline): Uncertain significance (1 of 4 stars; one submission).

Allele frequency attached by ClinVar (database versions not stated): gnomAD exomes below 0.00001.
gnomAD v4.1: 1 of 1,611,974 alleles (0.000062%); highest among the groups gnomAD compares: East Asian, 0.0022%; no homozygotes.

Submission:

Labcorp Genetics (formerly Invitae), Labcorp
Classification: Uncertain significance. Last evaluated: 2024-02-23. Review status: criteria provided, single submitter. Criteria: Invitae Variant Classification Sherloc (09022015). Collection method: clinical testing. Allele origin: germline.
Comment: This sequence change replaces serine, which is neutral and polar, with proline, which is neutral and non-polar, at codon 575 of the KIF2A protein (p.Ser575Pro). This variant is present in population databases (no rsID available, gnomAD 0.006%). This variant has not been reported in the literature in individuals affected with KIF2A-related conditions. ClinVar contains an entry for this variant (Variation ID: 1470229). An algorithm developed to predict the effect of missense changes on protein structure and function (PolyPhen-2) suggests that this variant is likely to be tolerated. In summary, the available evidence is currently insufficient to determine the role of this variant in disease. Therefore, it has been classified as a Variant of Uncertain Significance.

NM_001098511.3(KIF2A):c.1723T>C (p.Ser575Pro)

Gene: KIF2A (kinesin family member 2A; plus strand). Cytogenetic location: 5q12.1.
Variant type: single nucleotide variant.
Coding change: c.1723T>C on transcript NM_001098511.3 (MANE Select); coding-DNA position 1723, T replaced by C.
Protein change: p.Ser575Pro; replaces serine 575 with proline.
Molecular consequence: missense variant. On other transcripts: intron variant (3).
Genome position (GRCh38, 1-based): chr5:62,372,514, T>C. VCF-style: chr5-62372514-T-C. GRCh37 (hg19) VCF-style: chr5-61668341-T-C.
Other names: c.1566-1173T>C (NM_001243952.2); c.1647-1173T>C (NM_004520.5); c.1590-1173T>C (NM_001243953.2); short protein forms S575P.
Identifiers: ClinVar variation 1470229 (VCV001470229.8), dbSNP rs1452219735, ClinGen allele CA359952279.
Genomic context (GRCh38, chr5:62,372,514, plus strand): 5'-ATTAGTCCATCAGACATTCCCTTCTCACAGGGTAGTGGCAGTCGCCCTGATCTCTCTCCT[T>C]CTTATGAATATGACGACTTTTCTCCTTCAGTTACCAGGTCTACTTCATTCTATACATAAG-3'
Protein context (NP_001091981.1, residues 565-585): GSGSRPDLSP[Ser575Pro]YEYDDFSPSV